The following is an entry in ClinVar:

NM_014003.4(DHX38):c.361C>T (p.Pro121Ser)

Gene: DHX38 (DEAH-box helicase 38; plus strand). Cytogenetic location: 16q22.2.
Variant type: single nucleotide variant.
Coding change: c.361C>T on transcript NM_014003.4 (MANE Select); coding-DNA position 361, C replaced by T.
Protein change: p.Pro121Ser; replaces proline 121 with serine.
Molecular consequence: missense variant.
Genome position (GRCh38, 1-based): chr16:72,096,859, C>T. VCF-style: chr16-72096859-C-T. GRCh37 (hg19) VCF-style: chr16-72130758-C-T.
Other names: short protein forms P121S.
Identifiers: ClinVar variation 4804354 (VCV004804354.1).
Genomic context (GRCh38, chr16:72,096,859, plus strand): 5'-ACCAGTTGCTCTCCCTGTTTCAGACATTATCGGTCTGCTCGGGTAGAGACTCCATCCCAT[C>T]CGGGTGGTGTGAGCGAAGAGTTTTGGGAACGCAGTCGGCAGAGAGAGCGGGAGCGGCGGG-3'
Protein context (NP_054722.2, residues 111-131): RSARVETPSH[Pro121Ser]GGVSEEFWER

ClinVar aggregate classification (germline): Uncertain significance (1 of 4 stars; one submission).

gnomAD v4.1: 24 of 1,613,816 alleles (0.0015%); highest among the groups gnomAD compares: South Asian, 0.024%; no homozygotes.

Submission:

Labcorp Genetics (formerly Invitae), Labcorp
Classification: Uncertain significance. Last evaluated: 2025-08-07. Review status: criteria provided, single submitter. Criteria: Invitae Variant Classification Sherloc (09022015). Collection method: clinical testing. Allele origin: germline.
Comment: This sequence change replaces proline, which is neutral and non-polar, with serine, which is neutral and polar, at codon 121 of the DHX38 protein (p.Pro121Ser). This variant is present in population databases (rs780039631, gnomAD 0.03%). This variant has not been reported in the literature in individuals affected with DHX38-related conditions. An algorithm developed to predict the effect of missense changes on protein structure and function (PolyPhen-2) suggests that this variant is likely to be tolerated. In summary, the available evidence is currently insufficient to determine the role of this variant in disease. Therefore, it has been classified as a Variant of Uncertain Significance.